The following is an entry in ClinVar:

NM_001384900.1(SEMA3D):c.1356A>G (p.Ile452Met)

Gene: SEMA3D (semaphorin 3D; minus strand). Cytogenetic location: 7q21.11.
Variant type: single nucleotide variant.
Coding change: c.1356A>G on transcript NM_001384900.1 (MANE Select); coding-DNA position 1356, A replaced by G.
Protein change: p.Ile452Met; replaces isoleucine 452 with methionine.
Molecular consequence: missense variant.
Genome position (GRCh38, 1-based): chr7:85,022,449, T>C on the plus strand (A>G on the coding strand, the complement: SEMA3D is on the minus strand). VCF-style: chr7-85022449-T-C. GRCh37 (hg19) VCF-style: chr7-84651765-T-C.
Other names: c.1356A>G, p.Ile452Met (NM_001384901.1, NM_001384902.1, NM_001384903.1 and 1 more transcripts); short protein forms I452M.
Identifiers: ClinVar variation 4994796 (VCV004994796.1).

ClinVar aggregate classification (germline): Uncertain significance (1 of 4 stars; one submission).

Conditions:
SEMA3D-related disorder. Also called: SEMA3D-related condition.

Submission:

PreventionGenetics, part of Exact Sciences
Classification: Uncertain significance for SEMA3D-related condition. Last evaluated: 2025-09-15. Review status: criteria provided, single submitter. Criteria: ACMG Guidelines, 2015. Collection method: clinical testing. Allele origin: germline.
Comment: The SEMA3D c.1356A>G variant is predicted to result in the amino acid substitution p.Ile452Met. To our knowledge, this variant has not been reported in the literature or in a large population database (gnomAD), indicating this variant is rare. At this time, the clinical significance of this variant is uncertain due to the absence of conclusive functional and genetic evidence.